The following is an entry in ClinVar:

NM_015692.5(CPAMD8):c.4846G>A (p.Glu1616Lys)

Gene: CPAMD8 (C3 and PZP like alpha-2-macroglobulin domain containing 8; minus strand). Cytogenetic location: 19p13.11.
Variant type: single nucleotide variant.
Coding change: c.4846G>A on transcript NM_015692.5 (MANE Select); coding-DNA position 4846, G replaced by A.
Protein change: p.Glu1616Lys; replaces glutamic acid 1616 with lysine.
Molecular consequence: missense variant.
Genome position (GRCh38, 1-based): chr19:16,899,477, C>T on the plus strand (G>A on the coding strand, the complement: CPAMD8 is on the minus strand). VCF-style: chr19-16899477-C-T. GRCh37 (hg19) VCF-style: chr19-17010288-C-T.
Other names: short protein forms E1616K.
Identifiers: ClinVar variation 4700608 (VCV004700608.1).
Genomic context (GRCh38, chr19:16,899,477, plus strand): 5'-CACCCTCACCAACATGCACACCAGGGAAGCCTCCTCCACCAACCCCGGCTGGTGGTACCT[C>T]ATCAAAGTAGAAGAGCACTCGGCGTCCAGCCACTTCATACCTCTTCATCCCCATGTGCTT-3'
Protein context (NP_056507.3, residues 1606-1626): AGRRVLFYFD[Glu1616Lys]IPSRCLTCVR

ClinVar aggregate classification (germline): Uncertain significance (1 of 4 stars; one submission).

Submission:

Labcorp Genetics (formerly Invitae), Labcorp
Classification: Uncertain significance. Last evaluated: 2025-09-03. Review status: criteria provided, single submitter. Criteria: Invitae Variant Classification Sherloc (09022015). Collection method: clinical testing. Allele origin: germline.
Comment: This sequence change replaces glutamic acid, which is acidic and polar, with lysine, which is basic and polar, at codon 1663 of the CPAMD8 protein (p.Glu1663Lys). This variant is not present in population databases (gnomAD no frequency). This variant has not been reported in the literature in individuals affected with CPAMD8-related conditions. An algorithm developed to predict the effect of missense changes on protein structure and function (PolyPhen-2) suggests that this variant is likely to be disruptive. In summary, the available evidence is currently insufficient to determine the role of this variant in disease. Therefore, it has been classified as a Variant of Uncertain Significance.